The following is an entry in ClinVar:

NM_198252.3(GSN):c.-9-2061_-9-2045dup

Gene: GSN (gelsolin; plus strand). Cytogenetic location: 9q33.2.
Variant type: Duplication.
Coding change: c.-9-2061_-9-2045dup on transcript NM_198252.3 (MANE Select); 2061 bases into the intron before 9 bases upstream of the start codon through 2045 bases into the intron before 9 bases upstream of the start codon, 17 bases duplicated (TGTCCCTGGCGCTGTGC).
Molecular consequence: intron variant. On other transcripts: frameshift variant (1).
Genome position (GRCh38, 1-based): chr9:121,299,902-121,299,918, TGTCCCTGGCGCTGTGC duplicated; duplicating any 17 consecutive bases within chr9:121,299,900-121,299,918 gives the same sequence; the c. name uses the placement nearest the transcript's 3' end. VCF-style (leftmost placement, unchanged base first): chr9-121299899-C-CGCTGTCCCTGGCGCTGT. GRCh37 (hg19) VCF-style: chr9-124062177-C-CGCTGTCCCTGGCGCTGT.
Other names: c.41_57dup, p.Ala20fs (NM_000177.5); c.-9-2061_-9-2045dup (NM_001353054.1, NM_001353053.1, NM_001353060.2 and 5 more transcripts); c.-47-154_-47-138dup (NM_001353064.2, NM_001353066.2, NM_001353072.2 and 8 more transcripts); c.-1-2069_-1-2053dup (NM_001353058.2, NM_001353059.2, NM_001353056.2 and 1 more transcripts); c.-38-163_-38-147dup (NM_001353073.2, NM_001353065.2, NM_001353068.2 and 2 more transcripts); c.100-2061_100-2045dup (NM_001127663.2); c.-32-169_-32-153dup (NM_001353070.2); c.-48-2022_-48-2006dup (NM_001353055.2); and 3 more; short protein forms A20fs.
Identifiers: ClinVar variation 3631156 (VCV003631156.2).

ClinVar aggregate classification (germline): Uncertain significance (1 of 4 stars; one submission).

Submission:

Labcorp Genetics (formerly Invitae), Labcorp
Classification: Uncertain significance. Last evaluated: 2024-02-15. Review status: criteria provided, single submitter. Criteria: Invitae Variant Classification Sherloc (09022015). Collection method: clinical testing. Allele origin: germline.
Comment: This sequence change creates a premature translational stop signal (p.Ala20Cysfs*85) in the GSN gene. It is expected to result in an absent or disrupted protein product. However, the current clinical and genetic evidence is not sufficient to establish whether loss-of-function variants in GSN cause disease. This variant is not present in population databases (gnomAD no frequency). This variant has not been reported in the literature in individuals affected with GSN-related conditions. In summary, the available evidence is currently insufficient to determine the role of this variant in disease. Therefore, it has been classified as a Variant of Uncertain Significance.